The following is an entry in ClinVar:

NM_080680.3(COL11A2):c.4066G>A (p.Ala1356Thr)

Gene: COL11A2 (collagen type XI alpha 2 chain; minus strand). Cytogenetic location: 6p21.32.
Variant type: single nucleotide variant.
Coding change: c.4066G>A on transcript NM_080680.3 (MANE Select); coding-DNA position 4066, G replaced by A.
Protein change: p.Ala1356Thr; replaces alanine 1356 with threonine.
Molecular consequence: missense variant.
Genome position (GRCh38, 1-based): chr6:33,167,482, C>T on the plus strand (G>A on the coding strand, the complement: COL11A2 is on the minus strand). VCF-style: chr6-33167482-C-T. GRCh37 (hg19) VCF-style: chr6-33135259-C-T.
Other names: c.3745G>A, p.Ala1249Thr (NM_080679.3); c.3808G>A, p.Ala1270Thr (NM_080681.3); short protein forms A1249T, A1270T, A1356T.
Identifiers: ClinVar variation 1304315 (VCV001304315.5), dbSNP rs764870047, ClinGen allele CA363623454.

ClinVar aggregate classification (germline): Uncertain significance. Review status: criteria provided, multiple submitters, no conflicts (2 of 4 stars). 2 submissions from 2 submitters: Uncertain significance (2). Last evaluated 2023-10-22.

gnomAD v4.1: 1 of 1,612,900 alleles (0.000062%); highest among the groups gnomAD compares: Non-Finnish European, 0.000085%; no homozygotes.

Submissions (2):

Labcorp Genetics (formerly Invitae), Labcorp
Classification: Uncertain significance. Last evaluated: 2023-10-22. Review status: criteria provided, single submitter. Criteria: Invitae Variant Classification Sherloc (09022015). Collection method: clinical testing. Allele origin: germline.
Comment: This sequence change replaces alanine, which is neutral and non-polar, with threonine, which is neutral and polar, at codon 1356 of the COL11A2 protein (p.Ala1356Thr). This variant is not present in population databases (gnomAD no frequency). This variant has not been reported in the literature in individuals affected with COL11A2-related conditions. ClinVar contains an entry for this variant (Variation ID: 1304315). Advanced modeling of protein sequence and biophysical properties (such as structural, functional, and spatial information, amino acid conservation, physicochemical variation, residue mobility, and thermodynamic stability) performed at Invitae indicates that this missense variant is not expected to disrupt COL11A2 protein function. In summary, the available evidence is currently insufficient to determine the role of this variant in disease. Therefore, it has been classified as a Variant of Uncertain Significance.

GeneDx
Classification: Uncertain significance. Last evaluated: 2018-11-29. Review status: criteria provided, single submitter. Criteria: GeneDx Variant Classification Process June 2021. Collection method: clinical testing. Allele origin: germline. Affected: yes.
Comment: Not observed in large population cohorts (Lek et al., 2016); In silico analysis, which includes protein predictors and evolutionary conservation, supports that this variant does not alter protein structure/function; Has not been previously published as pathogenic or benign to our knowledge